The following is an entry in ClinVar:

NM_006514.4(SCN10A):c.1162C>A (p.Leu388Met)

Gene: SCN10A (sodium voltage-gated channel alpha subunit 10; minus strand). Cytogenetic location: 3p22.2.
Variant type: single nucleotide variant.
Coding change: c.1162C>A on transcript NM_006514.4 (MANE Select); coding-DNA position 1162, C replaced by A.
Protein change: p.Leu388Met; replaces leucine 388 with methionine.
Molecular consequence: missense variant.
Genome position (GRCh38, 1-based): chr3:38,756,802, G>T on the plus strand (C>A on the coding strand, the complement: SCN10A is on the minus strand). VCF-style: chr3-38756802-G-T. GRCh37 (hg19) VCF-style: chr3-38798293-G-T.
Other names: c.1162C>A, p.Leu388Met (NM_001293306.2, NM_001293307.2); short protein forms L388M.
Identifiers: ClinVar variation 2203343 (VCV002203343.4), dbSNP rs2063811728, ClinGen allele CA352169836.
Genomic context (GRCh38, chr3:38,756,802, plus strand): 5'-TGGTTGCCTGGTTCTGCTCCTCATACGCCATGGTGACTACAGCCAAGATCAAGTTGACCA[G>T]GTAGAAAGATCCCAGGAAGATTACGAGCACAAAAAAGATCATATAGATTTTCCCAGAAGT-3'
Protein context (NP_006505.4, residues 378-398): VLVIFLGSFY[Leu388Met]VNLILAVVTM

ClinVar aggregate classification (germline): Uncertain significance (1 of 4 stars; one submission).

Conditions:
Brugada syndrome. Also called: Sudden Unexplained Death Syndrome; Sudden Unexplained Nocturnal Death Syndrome (SUNDS); Sudden unexpected nocturnal death syndrome; Sudden unexplained nocturnal death syndrome. Identifiers: Orphanet 130, MedGen C1142166, MONDO:0015263.

Submission:

Labcorp Genetics (formerly Invitae), Labcorp
Classification: Uncertain significance for Brugada syndrome. Last evaluated: 2022-08-06. Review status: criteria provided, single submitter. Criteria: Invitae Variant Classification Sherloc (09022015). Collection method: clinical testing. Allele origin: germline.
Comment: This sequence change replaces leucine, which is neutral and non-polar, with methionine, which is neutral and non-polar, at codon 388 of the SCN10A protein (p.Leu388Met). This variant is not present in population databases (gnomAD no frequency). This missense change has been observed in individual(s) with clinical features of SCN10A-related conditions (PMID: 29247119, 31195250). Advanced modeling of protein sequence and biophysical properties (such as structural, functional, and spatial information, amino acid conservation, physicochemical variation, residue mobility, and thermodynamic stability) performed at Invitae indicates that this missense variant is expected to disrupt SCN10A protein function. Experimental studies have shown that this missense change affects SCN10A function (PMID: 31195250). In summary, the available evidence is currently insufficient to determine the role of this variant in disease. Therefore, it has been classified as a Variant of Uncertain Significance.

Literature cited by the submitters: PubMed 29247119; PubMed 31195250.